The following is an entry in ClinVar:

NM_001363711.2(DUOX2):c.2803C>T (p.Leu935Phe)

Gene: DUOX2 (dual oxidase 2; minus strand). Cytogenetic location: 15q21.1.
Variant type: single nucleotide variant.
Coding change: c.2803C>T on transcript NM_001363711.2 (MANE Select); coding-DNA position 2803, C replaced by T.
Protein change: p.Leu935Phe; replaces leucine 935 with phenylalanine.
Molecular consequence: missense variant.
Genome position (GRCh38, 1-based): chr15:45,101,841, G>A on the plus strand (C>T on the coding strand, the complement: DUOX2 is on the minus strand). VCF-style: chr15-45101841-G-A. GRCh37 (hg19) VCF-style: chr15-45394039-G-A.
Other names: c.2803C>T (NM_014080.4); c.2803C>T, p.Leu935Phe (NM_014080.5); short protein forms L935F.
Identifiers: ClinVar variation 2691595 (VCV002691595.4), dbSNP rs767244088, ClinGen allele CA7538144.

ClinVar aggregate classification (germline): Uncertain significance. Review status: criteria provided, multiple submitters, no conflicts (2 of 4 stars). 4 submissions from 4 submitters: Uncertain significance (4). Last evaluated 2025-11-24.

Conditions:
Inborn genetic diseases. Identifiers: MedGen C0950123, MeSH D030342.
DUOX2-related disorder. Also called: DUOX2-related condition.

Allele frequency attached by ClinVar (database versions not stated): gnomAD 0.00001; gnomAD exomes 0.00001; TOPMed 0.00001; ExAC 0.00003.
gnomAD v4.1: 12 of 1,614,096 alleles (0.00074%); highest among the groups gnomAD compares: South Asian, 0.0099%; no homozygotes.

Submissions (4):

PreventionGenetics, part of Exact Sciences
Classification: Uncertain significance for DUOX2-related condition. Last evaluated: 2025-11-24. Review status: criteria provided, single submitter. Criteria: ACMG Guidelines, 2015. Collection method: clinical testing. Allele origin: germline.
Comment: The DUOX2 c.2803C>T variant is predicted to result in the amino acid substitution p.Leu935Phe. To our knowledge, this variant has not been reported in the literature. This variant is reported in 0.0098% of alleles in individuals of South Asian descent in gnomAD. At this time, the clinical significance of this variant is uncertain due to the absence of conclusive functional and genetic evidence.

Blueprint Genetics
Classification: Uncertain significance. Last evaluated: 2024-10-28. Review status: criteria provided, single submitter. Criteria: ACMG Guidelines, 2015. Collection method: clinical testing. Allele origin: germline.

Ambry Genetics
Classification: Uncertain significance for Inborn genetic diseases. Last evaluated: 2024-04-20. Review status: criteria provided, single submitter. Criteria: Ambry Variant Classification Scheme 2023. Collection method: clinical testing. Allele origin: germline.

Women's Health and Genetics/Laboratory Corporation of America, LabCorp
Classification: Uncertain significance. Last evaluated: 2023-12-11. Review status: criteria provided, single submitter. Criteria: LabCorp Variant Classification Summary - May 2015. Collection method: clinical testing. Allele origin: germline.
Comment: Variant summary: DUOX2 c.2803C>T (p.Leu935Phe) results in a non-conservative amino acid change in the encoded protein sequence. Three of five in-silico tools predict a benign effect of the variant on protein function. The variant allele was found at a frequency of 2e-05 in 251474 control chromosomes (gnomAD). The available data on variant occurrences in the general population are insufficient to allow any conclusion about variant significance. To our knowledge, no occurrence of c.2803C>T in individuals affected with Thyroid Dyshormonogenesis 6 and no experimental evidence demonstrating its impact on protein function have been reported. No submitters have cited clinical-significance assessments for this variant to ClinVar after 2014. Based on the evidence outlined above, the variant was classified as uncertain significance.